The following is an entry in ClinVar:

NM_000222.3(KIT):c.2680C>T (p.His894Tyr)

Gene: KIT (KIT proto-oncogene, receptor tyrosine kinase; plus strand). Cytogenetic location: 4q12.
Variant type: single nucleotide variant.
Coding change: c.2680C>T on transcript NM_000222.3 (MANE Select); coding-DNA position 2680, C replaced by T.
Protein change: p.His894Tyr; replaces histidine 894 with tyrosine.
Molecular consequence: missense variant.
Genome position (GRCh38, 1-based): chr4:54,736,804, C>T. VCF-style: chr4-54736804-C-T. GRCh37 (hg19) VCF-style: chr4-55602970-C-T.
Other names: c.2668C>T, p.His890Tyr (NM_001093772.2, NM_001385292.1); c.2683C>T, p.His895Tyr (NM_001385284.1); c.2677C>T, p.His893Tyr (NM_001385285.1); c.2665C>T, p.His889Tyr (NM_001385286.1); c.2671C>T, p.His891Tyr (NM_001385288.1); c.2680C>T, p.His894Tyr (NM_001385290.1); short protein forms H894Y, H890Y, H889Y, H891Y, H893Y, H895Y.
Identifiers: ClinVar variation 528519 (VCV000528519.14), dbSNP rs141126803, ClinGen allele CA2923822.
Genomic context (GRCh38, chr4:54,736,804, plus strand): 5'-CCGGTCGATTCTAAGTTCTACAAGATGATCAAGGAAGGCTTCCGGATGCTCAGCCCTGAA[C>T]ACGCACCTGCTGAAATGTAAGAGCCAAAAAATTTTTCCTTTAGGTCACGTTTTCCCTTTT-3'
Protein context (NP_000213.1, residues 884-904): KEGFRMLSPE[His894Tyr]APAEMYDIMK

ClinVar aggregate classification (germline): Uncertain significance. Review status: criteria provided, multiple submitters, no conflicts (2 of 4 stars). 3 submissions from 3 submitters: Uncertain significance (3). Last evaluated 2025-09-10.

Conditions:
Gastrointestinal stromal tumor. Also called: Gastrointestinal stroma tumor; Gastrointestinal stromal tumor, somatic. Identifiers: Orphanet 44890, MedGen C0238198, MeSH D046152, MONDO:0011719, OMIM 606764, HP:0100723.
Hereditary cancer-predisposing syndrome. Also called: Tumor predisposition; Hereditary neoplastic syndrome; Hereditary Cancer Syndrome; Neoplastic Syndromes, Hereditary. Identifiers: Orphanet 140162, MedGen C0027672, MeSH D009386, MONDO:0015356.

Allele frequency attached by ClinVar (database versions not stated): gnomAD exomes below 0.00001; TOPMed below 0.00001; ExAC 0.00001; gnomAD 0.00001; ESP Exome Variant Server 0.00008.
gnomAD v4.1: 2 of 1,613,926 alleles (0.00012%); highest among the groups gnomAD compares: African/African-American, 0.0013%; no homozygotes.

Submissions (3):

Ambry Genetics
Classification: Uncertain significance for Hereditary cancer-predisposing syndrome. Last evaluated: 2025-09-10. Review status: criteria provided, single submitter. Criteria: Ambry Variant Classification Scheme 2023. Collection method: clinical testing. Allele origin: germline.
Comment: The p.H894Y variant (also known as c.2680C>T), located in coding exon 19 of the KIT gene, results from a C to T substitution at nucleotide position 2680. The histidine at codon 894 is replaced by tyrosine, an amino acid with similar properties. This amino acid position is not well conserved in available vertebrate species. In addition, this alteration is predicted to be tolerated by in silico analysis. Based on the available evidence, the clinical significance of this variant remains unclear.

Labcorp Genetics (formerly Invitae), Labcorp
Classification: Uncertain significance for Gastrointestinal stromal tumor. Last evaluated: 2024-10-13. Review status: criteria provided, single submitter. Criteria: Invitae Variant Classification Sherloc (09022015). Collection method: clinical testing. Allele origin: germline.
Comment: This sequence change replaces histidine, which is basic and polar, with tyrosine, which is neutral and polar, at codon 894 of the KIT protein (p.His894Tyr). This variant is present in population databases (rs141126803, gnomAD 0.007%). This variant has not been reported in the literature in individuals affected with KIT-related conditions. ClinVar contains an entry for this variant (Variation ID: 528519). An algorithm developed to predict the effect of missense changes on protein structure and function (PolyPhen-2) suggests that this variant is likely to be tolerated. In summary, the available evidence is currently insufficient to determine the role of this variant in disease. Therefore, it has been classified as a Variant of Uncertain Significance.

Baylor Genetics
Classification: Uncertain significance for Gastrointestinal stromal tumor. Last evaluated: 2024-02-01. Review status: criteria provided, single submitter. Criteria: ACMG Guidelines, 2015. Collection method: clinical testing. Allele origin: unknown.